The following is an entry in ClinVar:

ClinVar aggregate classification (germline): Uncertain significance (1 of 4 stars; one submission).

Conditions:
Fanconi anemia (FA). Also called: Fanconi's anemia. Identifiers: Orphanet 84, MedGen C0015625, MeSH D005199, MONDO:0019391.

Allele frequency attached by ClinVar (database versions not stated): gnomAD exomes below 0.00001 and 0.00001; gnomAD 0.00001; TOPMed 0.00001.
gnomAD v4.1: 3 of 1,614,026 alleles (0.00019%); highest among the groups gnomAD compares: South Asian, 0.0011%; no homozygotes.

Submission:

Labcorp Genetics (formerly Invitae), Labcorp
Classification: Uncertain significance for Fanconi anemia. Last evaluated: 2022-12-08. Review status: criteria provided, single submitter. Criteria: Invitae Variant Classification Sherloc (09022015). Collection method: clinical testing. Allele origin: germline.
Comment: This variant is present in population databases (no rsID available, gnomAD 0.003%). This sequence change replaces glycine, which is neutral and non-polar, with serine, which is neutral and polar, at codon 36 of the FANCM protein (p.Gly36Ser). This variant has not been reported in the literature in individuals affected with FANCM-related conditions. In summary, the available evidence is currently insufficient to determine the role of this variant in disease. Therefore, it has been classified as a Variant of Uncertain Significance. Algorithms developed to predict the effect of missense changes on protein structure and function output the following: SIFT: "Tolerated"; PolyPhen-2: "Benign"; Align-GVGD: "Class C0". The serine amino acid residue is found in multiple mammalian species, which suggests that this missense change does not adversely affect protein function. ClinVar contains an entry for this variant (Variation ID: 1015527).

NM_020937.4(FANCM):c.106G>A (p.Gly36Ser)

Gene: FANCM (FA complementation group M; plus strand). Cytogenetic location: 14q21.2.
Variant type: single nucleotide variant.
Coding change: c.106G>A on transcript NM_020937.4 (MANE Select); coding-DNA position 106, G replaced by A.
Protein change: p.Gly36Ser; replaces glycine 36 with serine.
Molecular consequence: missense variant.
Genome position (GRCh38, 1-based): chr14:45,136,137, G>A. VCF-style: chr14-45136137-G-A. GRCh37 (hg19) VCF-style: chr14-45605340-G-A.
Other names: c.106G>A, p.Gly36Ser (NM_001308133.2, NM_001308134.2); short protein forms G36S.
Identifiers: ClinVar variation 1015527 (VCV001015527.8), dbSNP rs1416346759, ClinGen allele CA389586980.